The following is an entry in ClinVar:

NM_000030.3(AGXT):c.646G>A (p.Gly216Arg)

Gene: AGXT (alanine--glyoxylate aminotransferase; plus strand). Cytogenetic location: 2q37.3.
Variant type: single nucleotide variant.
Coding change: c.646G>A on transcript NM_000030.3 (MANE Select); coding-DNA position 646, G replaced by A.
Protein change: p.Gly216Arg; replaces glycine 216 with arginine.
Molecular consequence: missense variant.
Genome position (GRCh38, 1-based): chr2:240,874,028, G>A. VCF-style: chr2-240874028-G-A. GRCh37 (hg19) VCF-style: chr2-241813445-G-A.
Other names: short protein forms G216R.
Identifiers: ClinVar variation 204121 (VCV000204121.7), dbSNP rs180177252, ClinGen allele CA275728.

ClinVar aggregate classification (germline): Pathogenic/Likely pathogenic. Review status: criteria provided, multiple submitters, no conflicts (2 of 4 stars). 4 submissions from 4 submitters: Pathogenic (1); Likely pathogenic (2). 1 of the submissions does not count toward it. Last evaluated 2025-06-09.

Conditions:
Primary hyperoxaluria, type I (HP1). Also called: GLYCOLIC ACIDURIA; HEPATIC AGT DEFICIENCY; OXALOSIS I; Primary hyperoxaluria type 1. Identifiers: Orphanet 416, Orphanet 93598, MedGen C0268164, MONDO:0009823, OMIM 259900. Disease mechanism: loss of function.

Allele frequency attached by ClinVar (database versions not stated): ExAC 0.00002; gnomAD exomes below 0.00001.
gnomAD v4.1: 2 of 1,613,676 alleles (0.00012%); no homozygotes.

Submissions (4):

Natera, Inc.
Classification: Likely pathogenic for Primary hyperoxaluria type I. Last evaluated: 2025-06-09. Review status: criteria provided, single submitter. Criteria: Natera Variant Classification Schema (03/2026). Collection method: clinical testing. Allele origin: germline.
Comment: The c.646G>A variant in AGXT is a missense variant predicted to cause substitution of glycine to arginine at amino acid 216. This variant is rare in the general population with a frequency below the threshold expected for the associated phenotype(s). This variant has been observed in one or more individuals affected with the associated recessive disease, as either homozygous or compound heterozygous with a second variant (PMID: 17460142, 16931222). This variant has been identified in one or more affected individuals with a phenotype highly consistent with the associated gene (PMID: 17460142, 16931222). Computational prediction algorithms indicate this variant is likely to affect gene or protein function. Given the available evidence, this variant is classified as Likely Pathogenic.

Fulgent Genetics
Classification: Likely pathogenic for Primary hyperoxaluria, type I. Last evaluated: 2024-06-25. Review status: criteria provided, single submitter. Criteria: ACMG Guidelines, 2015. Collection method: clinical testing. Allele origin: germline.

Labcorp Genetics (formerly Invitae), Labcorp
Classification: Pathogenic. Last evaluated: 2023-06-02. Review status: criteria provided, single submitter. Criteria: Invitae Variant Classification Sherloc (09022015). Collection method: clinical testing. Allele origin: germline.
Comment: This missense change has been observed in individual(s) with primary hyperoxaluria (PMID: 16931222, 17460142). In at least one individual the data is consistent with being in trans (on the opposite chromosome) from a pathogenic variant. For these reasons, this variant has been classified as Pathogenic. Experimental studies have shown that this missense change affects AGXT function (PMID: 29110180). Advanced modeling of protein sequence and biophysical properties (such as structural, functional, and spatial information, amino acid conservation, physicochemical variation, residue mobility, and thermodynamic stability) performed at Invitae indicates that this missense variant is expected to disrupt AGXT protein function. ClinVar contains an entry for this variant (Variation ID: 204121). This variant is present in population databases (rs180177252, gnomAD 0.02%). This sequence change replaces glycine, which is neutral and non-polar, with arginine, which is basic and polar, at codon 216 of the AGXT protein (p.Gly216Arg).

Clinical Biochemistry Laboratory, Health Services Laboratory
Classification: Pathogenic for Primary hyperoxaluria, type I. Last evaluated: 2014-11-27. Review status: no assertion criteria provided. Collection method: in vitro. Allele origin: germline. Affected: yes. Not counted in ClinVar's aggregate classification.

Literature cited by the submitters: PubMed 17460142 (cited by 3 submitters); PubMed 16931222 (cited by Natera, Inc. and Labcorp Genetics (formerly Invitae), Labcorp); PubMed 29110180 (cited by Labcorp Genetics (formerly Invitae), Labcorp).